The following is an entry in ClinVar:

ClinVar aggregate classification (germline): Uncertain significance (1 of 4 stars; one submission).

Allele frequency attached by ClinVar (database versions not stated): gnomAD exomes below 0.00001.
gnomAD v4.1: 1 of 1,613,910 alleles (0.000062%); highest among the groups gnomAD compares: Non-Finnish European, 0.000085%; no homozygotes.

Submission:

GeneDx
Classification: Uncertain significance. Last evaluated: 2023-04-26. Review status: criteria provided, single submitter. Criteria: GeneDx Variant Classification Process June 2021. Collection method: clinical testing. Allele origin: germline. Affected: yes.
Comment: Not observed at significant frequency in large population cohorts (gnomAD); In silico analysis supports that this missense variant has a deleterious effect on protein structure/function; Has not been previously published as pathogenic or benign to our knowledge

NM_130839.5(UBE3A):c.1673G>A (p.Gly558Glu)

Genes: SNHG14 (small nucleolar RNA host gene 14; plus strand), UBE3A (ubiquitin protein ligase E3A; minus strand). Cytogenetic location: 15q11.2.
Variant type: single nucleotide variant.
Coding change: c.1673G>A on transcript NM_130839.5 (MANE Select); coding-DNA position 1673, G replaced by A.
Protein change: p.Gly558Glu; replaces glycine 558 with glutamic acid.
Molecular consequence: missense variant. On other transcripts: non-coding transcript variant (1).
Genome position (GRCh38, 1-based): chr15:25,360,463, C>T on the plus strand (G>A on the coding strand, the complement: UBE3A is on the minus strand). VCF-style: chr15-25360463-C-T. GRCh37 (hg19) VCF-style: chr15-25605610-C-T.
Other names: c.1682G>A, p.Gly561Glu (NM_000462.5); c.1673G>A, p.Gly558Glu (NM_001354505.1, NM_001354538.2, NM_001354545.2); c.1613G>A, p.Gly538Glu (NM_001354506.2, NM_001354507.2, NM_001354508.2 and 17 more transcripts); c.1496G>A, p.Gly499Glu (NM_001354546.2); c.422G>A, p.Gly141Glu (NM_001354550.2); c.362G>A, p.Gly121Glu (NM_001354551.2); short protein forms G121E, G141E, G499E, G538E, G558E, G561E.
Identifiers: ClinVar variation 2663389 (VCV002663389.1), dbSNP rs2552188277, ClinGen allele CA391353034.
Genomic context (GRCh38, chr15:25,360,463, plus strand): 5'-TCCTCCACAACCAGCTGAAAAAATTCTTTGGAAACACCTCCCTCATCAACTCCTTGTTCT[C>T]CTTCAAATTCCACATACAACTGCTTCTTCAAGTCTGCAGGATTTTCCATAGCGATCATCT-3'
Protein context (NP_570854.1, residues 548-568): LKKQLYVEFE[Gly558Glu]EQGVDEGGVS